The following is an entry in ClinVar:

NM_002291.3(LAMB1):c.4505A>G (p.Asn1502Ser)

Gene: LAMB1 (laminin subunit beta 1; minus strand). Cytogenetic location: 7q31.1.
Variant type: single nucleotide variant.
Coding change: c.4505A>G on transcript NM_002291.3 (MANE Select); coding-DNA position 4505, A replaced by G.
Protein change: p.Asn1502Ser; replaces asparagine 1502 with serine.
Molecular consequence: missense variant.
Genome position (GRCh38, 1-based): chr7:107,931,388, T>C on the plus strand (A>G on the coding strand, the complement: LAMB1 is on the minus strand). VCF-style: chr7-107931388-T-C. GRCh37 (hg19) VCF-style: chr7-107571833-T-C.
Other names: short protein forms N1502S.
Identifiers: ClinVar variation 1525228 (VCV001525228.6), dbSNP rs2116325301, ClinGen allele CA368863878.

ClinVar aggregate classification (germline): Uncertain significance (1 of 4 stars; one submission).

Submission:

Labcorp Genetics (formerly Invitae), Labcorp
Classification: Uncertain significance. Last evaluated: 2024-01-22. Review status: criteria provided, single submitter. Criteria: Invitae Variant Classification Sherloc (09022015). Collection method: clinical testing. Allele origin: germline.
Comment: This sequence change replaces asparagine, which is neutral and polar, with serine, which is neutral and polar, at codon 1502 of the LAMB1 protein (p.Asn1502Ser). This variant is not present in population databases (gnomAD no frequency). This variant has not been reported in the literature in individuals affected with LAMB1-related conditions. ClinVar contains an entry for this variant (Variation ID: 1525228). Algorithms developed to predict the effect of missense changes on protein structure and function output the following: SIFT: "Not Available"; PolyPhen-2: "Benign"; Align-GVGD: "Not Available". The serine amino acid residue is found in multiple mammalian species, which suggests that this missense change does not adversely affect protein function. In summary, the available evidence is currently insufficient to determine the role of this variant in disease. Therefore, it has been classified as a Variant of Uncertain Significance.